The following is an entry in ClinVar:

ClinVar aggregate classification (germline): Uncertain significance. Review status: criteria provided, multiple submitters, no conflicts (2 of 4 stars). 2 submissions from 2 submitters: Uncertain significance (2). Last evaluated 2025-05-11.

Conditions:
Inborn genetic diseases. Identifiers: MedGen C0950123, MeSH D030342.
Fanconi anemia (FA). Also called: Fanconi's anemia. Identifiers: Orphanet 84, MedGen C0015625, MeSH D005199, MONDO:0019391.

Submissions (2):

Ambry Genetics
Classification: Uncertain significance for Inborn genetic diseases. Last evaluated: 2025-05-11. Review status: criteria provided, single submitter. Criteria: Ambry Variant Classification Scheme 2023. Collection method: clinical testing. Allele origin: germline.
Comment: The p.L196P variant (also known as c.587T>C), located in coding exon 6 of the FANCA gene, results from a T to C substitution at nucleotide position 587. The leucine at codon 196 is replaced by proline, an amino acid with similar properties. This amino acid position is conserved. In addition, this alteration is predicted to be deleterious by in silico analysis. Based on the available evidence, the clinical significance of this variant remains unclear.

Labcorp Genetics (formerly Invitae), Labcorp
Classification: Uncertain significance for Fanconi anemia. Last evaluated: 2024-03-05. Review status: criteria provided, single submitter. Criteria: Invitae Variant Classification Sherloc (09022015). Collection method: clinical testing. Allele origin: germline.
Comment: This sequence change replaces leucine, which is neutral and non-polar, with proline, which is neutral and non-polar, at codon 196 of the FANCA protein (p.Leu196Pro). This variant is not present in population databases (gnomAD no frequency). This variant has not been reported in the literature in individuals affected with FANCA-related conditions. Advanced modeling of protein sequence and biophysical properties (such as structural, functional, and spatial information, amino acid conservation, physicochemical variation, residue mobility, and thermodynamic stability) performed at Invitae indicates that this missense variant is expected to disrupt FANCA protein function with a positive predictive value of 80%. In summary, the available evidence is currently insufficient to determine the role of this variant in disease. Therefore, it has been classified as a Variant of Uncertain Significance.

NM_000135.4(FANCA):c.587T>C (p.Leu196Pro)

Gene: FANCA (FA complementation group A; minus strand). Cytogenetic location: 16q24.3.
Variant type: single nucleotide variant.
Coding change: c.587T>C on transcript NM_000135.4 (MANE Select); coding-DNA position 587, T replaced by C.
Protein change: p.Leu196Pro; replaces leucine 196 with proline.
Molecular consequence: missense variant.
Genome position (GRCh38, 1-based): chr16:89,808,303, A>G on the plus strand (T>C on the coding strand, the complement: FANCA is on the minus strand). VCF-style: chr16-89808303-A-G. GRCh37 (hg19) VCF-style: chr16-89874711-A-G.
Other names: c.587T>C, p.Leu196Pro (NM_001018112.3, NM_001286167.3); c.491T>C, p.Leu164Pro (NM_001351830.2); short protein forms L196P, L164P.
Identifiers: ClinVar variation 3671615 (VCV003671615.3).